The following is an entry in ClinVar:

NM_001127898.4(CLCN5):c.310C>T (p.Arg104Ter)

Gene: CLCN5 (Cl-/H+ antiporter 5; plus strand). Cytogenetic location: Xp11.23.
Variant type: single nucleotide variant.
Coding change: c.310C>T on transcript NM_001127898.4 (MANE Select); coding-DNA position 310, C replaced by T.
Protein change: p.Arg104Ter; replaces arginine 104 with a stop codon.
Molecular consequence: nonsense.
Genome position (GRCh38, 1-based): chrX:50,070,025, C>T. VCF-style: chrX-50070025-C-T. GRCh37 (hg19) VCF-style: chrX-49834680-C-T.
Other names: c.100C>T, p.Arg34Ter (NM_000084.5); c.310C>T, p.Arg104Ter (NM_001127899.4); c.160C>T, p.Arg54Ter (NM_001282163.2); c.100C>T (NM_000084.4); short protein forms R104*, R34*, R54*.
Identifiers: ClinVar variation 207994 (VCV000207994.7), dbSNP rs797044808, ClinGen allele CA347312.
Genomic context (GRCh38, chrX:50,070,025, plus strand): 5'-TATGATGATTTCAATACAATTGATTGGGTGAGAGAGAAGTCTCGAGACCGGGATAGGCAC[C>T]GAGAGGTAAGACAAAAGATGGCACATGGGTAAGTGTTAGGAAATACAGGGGAAGAAATTG-3'

ClinVar aggregate classification (germline): Pathogenic/Likely pathogenic. Review status: criteria provided, multiple submitters, no conflicts (2 of 4 stars). 5 submissions from 5 submitters: Pathogenic (3); Likely pathogenic (1). 1 of the submissions does not count toward it. Last evaluated 2025-10-03.

Conditions:
Proteinuria, low molecular weight, with hypercalciuria and nephrocalcinosis. Identifiers: Orphanet 1652, Orphanet 93622, MedGen C1839874, MONDO:0010644, OMIM 308990.
Dent disease type 1 (DENT1). Also called: NEPHROLITHIASIS 2; NEPHROLITHIASIS, HYPERCALCIURIC, X-LINKED. Identifiers: Orphanet 1652, Orphanet 93622, MedGen C1848336, MONDO:0010225, OMIM 300009.
Hypophosphatemic rickets, X-linked recessive (XLHRR). Identifiers: Orphanet 1652, Orphanet 93622, MedGen C1845168, MONDO:0010358, OMIM 300554.
X-linked recessive nephrolithiasis with renal failure (XRN). Also called: NEPHROLITHIASIS 1; NEPHROLITHIASIS, X-LINKED RECESSIVE, TYPE 1; UROLITHIASIS, X-LINKED RECESSIVE, TYPE 1. Identifiers: Orphanet 1652, Orphanet 93622, MedGen C0403720, MONDO:0010687, OMIM 310468.
Familial X-linked hypophosphatemic vitamin D refractory rickets (XLHRD). Also called: X-Linked Hypophosphatemia; HYPOPHOSPHATEMIC VITAMIN D-RESISTANT RICKETS; Hypophosphatemic Rickets, X-Linked Dominant; Hypophosphatemia, vitamin D-resistant rickets; Vitamin D-resistant rickets, X-linked. Identifiers: Orphanet 89936, MedGen C0733682, MONDO:0010619, OMIM 307800.
CLCN5-related disorder. Also called: CLCN5-related condition.

Submissions (5):

Rare Kidney Stone Consortium and the Mayo Clinic Hyperoxaluria Center, Mayo Clinic
Classification: Pathogenic for Dent disease type 1; Hypophosphatemic rickets, X-linked recessive; X-linked recessive nephrolithiasis with renal failure; Proteinuria, low molecular weight, with hypercalciuria and nephrocalcinosis. Last evaluated: 2025-10-03. Review status: criteria provided, single submitter. Criteria: ACMG Guidelines, 2015. Collection method: research. Allele origin: germline. Affected: yes. Observed: 1 variant allele.
Comment: ACMG:PVS1, PM2, PM1, PP4

Labcorp Genetics (formerly Invitae), Labcorp
Classification: Pathogenic. Last evaluated: 2025-06-22. Review status: criteria provided, single submitter. Criteria: Invitae Variant Classification Sherloc (09022015). Collection method: clinical testing. Allele origin: germline.
Comment: This sequence change creates a premature translational stop signal (p.Arg34*) in the CLCN5 gene. It is expected to result in an absent or disrupted protein product. Loss-of-function variants in CLCN5 are known to be pathogenic (PMID: 22876375, 25907713). This variant is not present in population databases (gnomAD no frequency). This premature translational stop signal has been observed in individual(s) with X-linked nephrolithiasis (PMID: 9734595). ClinVar contains an entry for this variant (Variation ID: 207994). For these reasons, this variant has been classified as Pathogenic.

PreventionGenetics, part of Exact Sciences
Classification: Pathogenic for CLCN5-related condition. Last evaluated: 2022-12-07. Review status: criteria provided, single submitter. Criteria: ACMG Guidelines, 2015. Collection method: clinical testing. Allele origin: germline.
Comment: The CLCN5 c.100C>T variant is predicted to result in premature protein termination (p.Arg34*). This variant has been reported to have occurred de novo or be inherited from a mother with nephrolithiasis in two hemizygous patients with Dent disease (Hoopes et al. 1998. PubMed ID: 9734595; Wen et al. 2018. PubMed ID: 30581818). This variant has not been reported in a large population database, indicating this variant is rare. Nonsense variants in CLCN5 are expected to be pathogenic. This variant is interpreted as pathogenic.

Neuberg Centre For Genomic Medicine, NCGM
Classification: Likely pathogenic for Familial X-linked hypophosphatemic vitamin D refractory rickets. Review status: criteria provided, single submitter. Criteria: ACMG Guidelines, 2015. Collection method: clinical testing. Allele origin: germline. Inheritance: Autosomal dominant inheritance. Affected: yes.
Comment: The stop gained c.310C>Tp.Arg104Ter variant in CLCN5 gene has reported in hemizygous state in an individual affected with CLCN5 related disorders Wen M, et. al., 2018. The c.310C>T variant is novel not in any individuals in gnomAD Exomes and 1000Genomes. This variant has been reported to the ClinVar database. The nucleotide change c.310C>T in CLCN5 is predicted asconserved by GERP++ and PhyloP across 100 vertebrates. Loss of function variants have been previously reported to be diseasecausing. For these reasons, this variant has been classified as Likely Pathogenic.

GeneReviews
No classification provided. Condition: Dent disease type 1. Review status: no classification provided. Collection method: literature only. Allele origin: germline. Affected: yes. Not counted in ClinVar's aggregate classification.

Literature cited by the submitters: PubMed 9734595 (cited by 3 submitters); PubMed 25525159 (cited by Rare Kidney Stone Consortium and the Mayo Clinic Hyperoxaluria Center, Mayo Clinic); PubMed 30581818 (cited by Rare Kidney Stone Consortium and the Mayo Clinic Hyperoxaluria Center, Mayo Clinic); PubMed 36646056 (cited by Rare Kidney Stone Consortium and the Mayo Clinic Hyperoxaluria Center, Mayo Clinic); PubMed 40794449 (cited by Rare Kidney Stone Consortium and the Mayo Clinic Hyperoxaluria Center, Mayo Clinic); PubMed 22876375 (cited by Labcorp Genetics (formerly Invitae), Labcorp); PubMed 25907713 (cited by Labcorp Genetics (formerly Invitae), Labcorp); PubMed 10469281 (cited by GeneReviews); PubMed 16861240 (cited by GeneReviews); PubMed 16822791 (cited by GeneReviews); PubMed 24081861 (cited by GeneReviews); NCBI Bookshelf NBK99494 (cited by GeneReviews).